The following is an entry in ClinVar:

ClinVar aggregate classification (germline): Likely benign (1 of 4 stars; one submission).

Allele frequency attached by ClinVar (database versions not stated): gnomAD exomes 0.01053; gnomAD 0.01621 and 0.01743; TOPMed 0.01780; 1000 Genomes Project 30x 0.03061; 1000 Genomes Project 0.03195.
gnomAD v4.1: 8,510 of 715,048 alleles (1.2%); highest among the groups gnomAD compares: South Asian, 6.8%; 277 homozygotes.

Submission:

GeneDx
Classification: Likely benign. Last evaluated: 2018-06-14. Review status: criteria provided, single submitter. Criteria: GeneDx Variant Classification (06012015). Collection method: clinical testing. Allele origin: germline. Affected: yes.
Comment: This variant is considered likely benign or benign based on one or more of the following criteria: it is a conservative change, it occurs at a poorly conserved position in the protein, it is predicted to be benign by multiple in silico algorithms, and/or has population frequency not consistent with disease.

NM_001105206.3(LAMA4):c.5113-137C>T

Gene: LAMA4 (laminin subunit alpha 4; minus strand). Cytogenetic location: 6q21.
Variant type: single nucleotide variant.
Coding change: c.5113-137C>T on transcript NM_001105206.3 (MANE Select); 137 bases into the intron before coding-DNA position 5113, C replaced by T.
Molecular consequence: intron variant.
Genome position (GRCh38, 1-based): chr6:112,114,893, G>A on the plus strand (C>T on the coding strand, the complement: LAMA4 is on the minus strand). VCF-style: chr6-112114893-G-A. GRCh37 (hg19) VCF-style: chr6-112436096-G-A.
Other names: c.5092-137C>T (NM_002290.5, NM_001105207.3).
Identifiers: ClinVar variation 675663 (VCV000675663.1), dbSNP rs114287563, ClinGen allele CA144877651.